The following is an entry in ClinVar:

NM_007373.4(SHOC2):c.285C>G (p.Asn95Lys)

Gene: SHOC2 (SHOC2 leucine rich repeat scaffold protein; plus strand). Cytogenetic location: 10q25.2.
Variant type: single nucleotide variant.
Coding change: c.285C>G on transcript NM_007373.4 (MANE Select); coding-DNA position 285, C replaced by G.
Protein change: p.Asn95Lys; replaces asparagine 95 with lysine.
Molecular consequence: missense variant.
Genome position (GRCh38, 1-based): chr10:110,964,643, C>G. VCF-style: chr10-110964643-C-G. GRCh37 (hg19) VCF-style: chr10-112724401-C-G.
Other names: c.285C>G, p.Asn95Lys (NM_001269039.3, NM_001324336.2, NM_001324337.2); short protein forms N95K.
Identifiers: ClinVar variation 3318334 (VCV003318334.1).

ClinVar aggregate classification (germline): Uncertain significance (1 of 4 stars; one submission).

Conditions:
Cardiovascular phenotype. Identifiers: MedGen CN230736.

Submission:

Ambry Genetics
Classification: Uncertain significance for Cardiovascular phenotype. Last evaluated: 2024-05-17. Review status: criteria provided, single submitter. Criteria: Ambry Variant Classification Scheme 2023. Collection method: clinical testing. Allele origin: germline.
Comment: The p.N95K variant (also known as c.285C>G), located in coding exon 1 of the SHOC2 gene, results from a C to G substitution at nucleotide position 285. The asparagine at codon 95 is replaced by lysine, an amino acid with similar properties. This amino acid position is conserved. In addition, the in silico prediction for this alteration is inconclusive. Based on the available evidence, the clinical significance of this variant remains unclear.